The following is an entry in ClinVar:

ClinVar aggregate classification (germline): Uncertain significance (1 of 4 stars; one submission).

Conditions:
Progressive myoclonic epilepsy type 3. Also called: EPILEPSY, PROGRESSIVE MYOCLONIC, 3, WITH OR WITHOUT INTRACELLULAR INCLUSIONS; CEROID LIPOFUSCINOSIS, NEURONAL, 14; EPILEPSY, PROGRESSIVE MYOCLONIC, 3, WITHOUT INTRACELLULAR INCLUSIONS; KCTD7-Related Progressive Myoclonic Epilepsy. Identifiers: Orphanet 263516, MedGen C2673257, MONDO:0012721, OMIM 611726.

Submission:

Labcorp Genetics (formerly Invitae), Labcorp
Classification: Uncertain significance for Progressive myoclonic epilepsy type 3. Last evaluated: 2024-01-02. Review status: criteria provided, single submitter. Criteria: Invitae Variant Classification Sherloc (09022015). Collection method: clinical testing. Allele origin: germline.
Comment: This sequence change replaces threonine, which is neutral and polar, with isoleucine, which is neutral and non-polar, at codon 75 of the KCTD7 protein (p.Thr75Ile). This variant is not present in population databases (gnomAD no frequency). This variant has not been reported in the literature in individuals affected with KCTD7-related conditions. ClinVar contains an entry for this variant (Variation ID: 1950810). Advanced modeling of protein sequence and biophysical properties (such as structural, functional, and spatial information, amino acid conservation, physicochemical variation, residue mobility, and thermodynamic stability) performed at Invitae indicates that this missense variant is not expected to disrupt KCTD7 protein function with a negative predictive value of 80%. In summary, the available evidence is currently insufficient to determine the role of this variant in disease. Therefore, it has been classified as a Variant of Uncertain Significance.

NM_153033.5(KCTD7):c.224C>T (p.Thr75Ile)

Gene: KCTD7 (potassium channel tetramerization domain containing 7; plus strand). Cytogenetic location: 7q11.21.
Variant type: single nucleotide variant.
Coding change: c.224C>T on transcript NM_153033.5 (MANE Select); coding-DNA position 224, C replaced by T.
Protein change: p.Thr75Ile; replaces threonine 75 with isoleucine.
Molecular consequence: missense variant.
Genome position (GRCh38, 1-based): chr7:66,633,354, C>T. VCF-style: chr7-66633354-C-T. GRCh37 (hg19) VCF-style: chr7-66098341-C-T.
Other names: c.224C>T, p.Thr75Ile (NM_001167961.2); short protein forms T75I.
Identifiers: ClinVar variation 1950810 (VCV001950810.5), dbSNP rs2535241203, ClinGen allele CA367695594.